The following is an entry in ClinVar:

ClinVar aggregate classification (germline): Uncertain significance (1 of 4 stars; one submission).

Submission:

Labcorp Genetics (formerly Invitae), Labcorp
Classification: Uncertain significance. Last evaluated: 2023-04-28. Review status: criteria provided, single submitter. Criteria: Invitae Variant Classification Sherloc (09022015). Collection method: clinical testing. Allele origin: germline.
Comment: In summary, the available evidence is currently insufficient to determine the role of this variant in disease. Therefore, it has been classified as a Variant of Uncertain Significance. Advanced modeling of protein sequence and biophysical properties (such as structural, functional, and spatial information, amino acid conservation, physicochemical variation, residue mobility, and thermodynamic stability) performed at Invitae indicates that this missense variant is not expected to disrupt CTNNA1 protein function. This variant has not been reported in the literature in individuals affected with CTNNA1-related conditions. This variant is not present in population databases (gnomAD no frequency). This sequence change replaces glycine, which is neutral and non-polar, with cysteine, which is neutral and slightly polar, at codon 160 of the CTNNA1 protein (p.Gly160Cys).

NM_001903.5(CTNNA1):c.478G>T (p.Gly160Cys)

Gene: CTNNA1 (catenin alpha 1; plus strand). Cytogenetic location: 5q31.2.
Variant type: single nucleotide variant.
Coding change: c.478G>T on transcript NM_001903.5 (MANE Select); coding-DNA position 478, G replaced by T.
Protein change: p.Gly160Cys; replaces glycine 160 with cysteine.
Molecular consequence: missense variant.
Genome position (GRCh38, 1-based): chr5:138,812,192, G>T. VCF-style: chr5-138812192-G-T. GRCh37 (hg19) VCF-style: chr5-138147881-G-T.
Other names: c.478G>T, p.Gly160Cys (NM_001290307.3, NM_001323982.2, NM_001323983.1 and 3 more transcripts); c.169G>T, p.Gly57Cys (NM_001290309.3); c.109G>T, p.Gly37Cys (NM_001290310.3); short protein forms G37C, G160C, G57C.
Identifiers: ClinVar variation 2859986 (VCV002859986.3), dbSNP rs2532348277, ClinGen allele CA361124896.